The following is an entry in ClinVar:

NM_001009999.3(KDM1A):c.287C>G (p.Pro96Arg)

Gene: KDM1A (lysine demethylase 1A; plus strand). Cytogenetic location: 1p36.12.
Variant type: single nucleotide variant.
Coding change: c.287C>G on transcript NM_001009999.3 (MANE Select); coding-DNA position 287, C replaced by G.
Protein change: p.Pro96Arg; replaces proline 96 with arginine.
Molecular consequence: missense variant.
Genome position (GRCh38, 1-based): chr1:23,019,883, C>G. VCF-style: chr1-23019883-C-G. GRCh37 (hg19) VCF-style: chr1-23346376-C-G.
Other names: c.287C>G, p.Pro96Arg (NM_001410762.1, NM_001410763.1, NM_015013.4 and 1 more transcripts); short protein forms P96R.
Identifiers: ClinVar variation 4844693 (VCV004844693.1).
Genomic context (GRCh38, chr1:23,019,883, plus strand): 5'-AACCGCCGGGGTCCGCAGGGCCTCAGGCCGGCCCTACTGTCGTGCCTGGGTCTGCGACCC[C>G]CATGGAAACTGGAATAGCAGAGACTCCGGAGGGGCGTCGGACCAGCCGGCGCAAGCGGGC-3'
Protein context (NP_001009999.1, residues 86-106): GPTVVPGSAT[Pro96Arg]METGIAETPE

ClinVar aggregate classification (germline): Uncertain significance (1 of 4 stars; one submission).

Conditions:
Inborn genetic diseases. Identifiers: MedGen C0950123, MeSH D030342.

gnomAD v4.1: 14 of 1,563,608 alleles (0.0009%); highest among the groups gnomAD compares: Admixed American, 0.0037%; no homozygotes.

Submission:

Ambry Genetics
Classification: Uncertain significance for Inborn genetic diseases. Last evaluated: 2026-01-17. Review status: criteria provided, single submitter. Criteria: Ambry Variant Classification Scheme 2023. Collection method: clinical testing. Allele origin: germline.
Comment: The p.P96R variant (also known as c.287C>G), located in coding exon 1 of the KDM1A gene, results from a C to G substitution at nucleotide position 287. The proline at codon 96 is replaced by arginine, an amino acid with dissimilar properties. This amino acid position is conserved. In addition, this alteration is predicted to be tolerated by in silico analysis. Based on the available evidence, the clinical significance of this variant remains unclear.